The following is an entry in ClinVar:

ClinVar aggregate classification (germline): Uncertain significance (1 of 4 stars; one submission).

Conditions:
Hereditary cancer-predisposing syndrome. Also called: Tumor predisposition; Hereditary neoplastic syndrome; Hereditary Cancer Syndrome; Neoplastic Syndromes, Hereditary. Identifiers: Orphanet 140162, MedGen C0027672, MeSH D009386, MONDO:0015356.

Submission:

Ambry Genetics
Classification: Uncertain significance for Hereditary cancer-predisposing syndrome. Last evaluated: 2025-06-13. Review status: criteria provided, single submitter. Criteria: Ambry Variant Classification Scheme 2023. Collection method: clinical testing. Allele origin: germline.
Comment: The p.Q1645E variant (also known as c.4933C>G), located in coding exon 37 of the POLE gene, results from a C to G substitution at nucleotide position 4933. The glutamine at codon 1645 is replaced by glutamic acid, an amino acid with highly similar properties. This amino acid position is conserved. In addition, the in silico prediction for this alteration is inconclusive. Based on the available evidence, the clinical significance of this variant remains unclear.

NM_006231.4(POLE):c.4933C>G (p.Gln1645Glu)

Gene: POLE (DNA polymerase epsilon, catalytic subunit; minus strand). Cytogenetic location: 12q24.33.
Variant type: single nucleotide variant.
Coding change: c.4933C>G on transcript NM_006231.4 (MANE Select); coding-DNA position 4933, C replaced by G.
Protein change: p.Gln1645Glu; replaces glutamine 1645 with glutamic acid.
Molecular consequence: missense variant.
Genome position (GRCh38, 1-based): chr12:132,642,525, G>C on the plus strand (C>G on the coding strand, the complement: POLE is on the minus strand). VCF-style: chr12-132642525-G-C. GRCh37 (hg19) VCF-style: chr12-133219111-G-C.
Other names: short protein forms Q1645E.
Identifiers: ClinVar variation 3935797 (VCV003935797.1).